The following is an entry in ClinVar:

NM_001267550.2(TTN):c.24447_24450del (p.Cys8150fs)

Gene: TTN (titin; minus strand). Cytogenetic location: 2q31.2.
Variant type: Deletion.
Coding change: c.24447_24450del on transcript NM_001267550.2 (MANE Select); coding-DNA positions 24447 to 24450, 4 bases deleted (TTGC; older notation c.24447_24450delTTGC).
Protein change: p.Cys8150fs; shifts the reading frame from cysteine 8150.
Molecular consequence: frameshift variant. On other transcripts: intron variant (3).
Genome position (GRCh38, 1-based): chr2:178,718,750-178,718,753, GCAA deleted on the plus strand (TTGC on the coding strand, the reverse complement: TTN is on the minus strand); deleting any 4 consecutive bases within chr2:178,718,750-178,718,754 gives the same sequence; the c. name uses the placement nearest the transcript's 3' end. VCF-style (leftmost placement, unchanged base first): chr2-178718749-GGCAA-G. GRCh37 (hg19) VCF-style: chr2-179583476-GGCAA-G.
Other names: c.23496_23499del, p.Cys7833fs (NM_001256850.1); c.20715_20718del, p.Cys6906fs (NM_133378.4); c.13282+19329_13282+19332del (NM_003319.4); c.13858+19329_13858+19332del (NM_133437.4); c.13657+19329_13657+19332del (NM_133432.3); short protein forms C6906fs, C7833fs, C8150fs.
Identifiers: ClinVar variation 1003939 (VCV001003939.9), dbSNP rs2077885583, ClinGen allele CA1310592754.
Genomic context (GRCh38, chr2:178,718,749, plus strand): 5'-GCAAACCTTTCACAAAAAGATGTGTGGTACAGGAAGCACTGCCAGCATCATTTGTAACGA[GGCAA>G]GAATAGTCTCCACTTTCTAATGGCTGCACCTCAAACAACTCCAGTTCTGTGACAAAATCT-3'

ClinVar aggregate classification (germline): Likely pathogenic (1 of 4 stars; one submission).

Conditions:
Dilated cardiomyopathy 1G (CMD1G). Identifiers: Orphanet 154, MedGen C1858763, MONDO:0011400, OMIM 604145.
Autosomal recessive limb-girdle muscular dystrophy type 2J (LGMDR10). Also called: Limb-girdle muscular dystrophy, type 2J; MUSCULAR DYSTROPHY, LIMB-GIRDLE, AUTOSOMAL RECESSIVE 10. Identifiers: Orphanet 140922, MedGen C1837342, MONDO:0012127, OMIM 608807.

Submission:

Labcorp Genetics (formerly Invitae), Labcorp
Classification: Likely pathogenic for Dilated cardiomyopathy 1G; Autosomal recessive limb-girdle muscular dystrophy type 2J. Last evaluated: 2024-11-04. Review status: criteria provided, single submitter. Criteria: Invitae Variant Classification Sherloc (09022015). Collection method: clinical testing. Allele origin: germline.
Comment: This sequence change creates a premature translational stop signal (p.Cys8150Serfs*17) in the TTN gene. While this is not anticipated to result in nonsense mediated decay, it is expected to create a truncated TTN protein. This variant is not present in population databases (gnomAD no frequency). This variant has not been reported in the literature in individuals affected with TTN-related conditions. ClinVar contains an entry for this variant (Variation ID: 1003939). This variant is located in the I band of TTN (PMID: 25589632). Truncating variants in this region have been reported in individuals affected with autosomal recessive centronuclear myopathy (PMID: 23975875, internal data). Truncating variants in this region have also been identified in individuals affected with autosomal dominant dilated cardiomyopathy and/or cardio-related conditions (PMID: 27869827, 32964742, internal data). In summary, the currently available evidence indicates that the variant is pathogenic, but additional data are needed to prove that conclusively. Therefore, this variant has been classified as Likely Pathogenic.

Literature cited by the submitters: PubMed 25589632; PubMed 23975875; PubMed 27869827; PubMed 32964742.